The following is an entry in ClinVar:

ClinVar aggregate classification (germline): Uncertain significance (1 of 4 stars; one submission).

Conditions:
Inborn genetic diseases. Identifiers: MedGen C0950123, MeSH D030342.

Submission:

Ambry Genetics
Classification: Uncertain significance for Inborn genetic diseases. Last evaluated: 2025-03-30. Review status: criteria provided, single submitter. Criteria: Ambry Variant Classification Scheme 2023. Collection method: clinical testing. Allele origin: germline.
Comment: The p.T353R variant (also known as c.1058C>G), located in coding exon 1 of the SAMD9 gene, results from a C to G substitution at nucleotide position 1058. The threonine at codon 353 is replaced by arginine, an amino acid with similar properties. This amino acid position is conserved. In addition, this alteration is predicted to be tolerated by in silico analysis. Based on the available evidence, the clinical significance of this variant remains unclear.

NM_017654.4(SAMD9):c.1058C>G (p.Thr353Arg)

Gene: SAMD9 (sterile alpha motif domain containing 9; minus strand). Cytogenetic location: 7q21.2.
Variant type: single nucleotide variant.
Coding change: c.1058C>G on transcript NM_017654.4 (MANE Select); coding-DNA position 1058, C replaced by G.
Protein change: p.Thr353Arg; replaces threonine 353 with arginine.
Molecular consequence: missense variant.
Genome position (GRCh38, 1-based): chr7:93,105,040, G>C on the plus strand (C>G on the coding strand, the complement: SAMD9 is on the minus strand). VCF-style: chr7-93105040-G-C. GRCh37 (hg19) VCF-style: chr7-92734353-G-C.
Other names: c.1058C>G, p.Thr353Arg (NM_001193307.2); short protein forms T353R.
Identifiers: ClinVar variation 3949495 (VCV003949495.1).